The following is an entry in ClinVar:

NM_001244008.2(KIF1A):c.793C>G (p.Leu265Val)

Gene: KIF1A (kinesin family member 1A; minus strand). Cytogenetic location: 2q37.3.
Variant type: single nucleotide variant.
Coding change: c.793C>G on transcript NM_001244008.2 (MANE Select); coding-DNA position 793, C replaced by G.
Protein change: p.Leu265Val; replaces leucine 265 with valine.
Molecular consequence: missense variant.
Genome position (GRCh38, 1-based): chr2:240,783,744, G>C on the plus strand (C>G on the coding strand, the complement: KIF1A is on the minus strand). VCF-style: chr2-240783744-G-C. GRCh37 (hg19) VCF-style: chr2-241723161-G-C.
Other names: c.793C>G, p.Leu265Val (NM_001320705.2, NM_001330289.2, NM_001330290.2 and 20 more transcripts); short protein forms L265V.
Identifiers: ClinVar variation 571482 (VCV000571482.1), dbSNP rs1559526605, ClinGen allele CA351302875.

ClinVar aggregate classification (germline): Uncertain significance (1 of 4 stars; one submission).

Conditions:
Neuropathy, hereditary sensory, type 2C. Also called: KIF1A-Related HSAN2 (HSAN2C); Hereditary sensory and autonomic neuropathy type IIC. Identifiers: Orphanet 970, MedGen C3280168, MONDO:0013634, OMIM 614213.
Intellectual disability, autosomal dominant 9 (NESCAVS). Also called: NESCAV SYNDROME; KIF1A-Related Neurodevelopmental Disorder. Identifiers: Orphanet 662367, MedGen C5393830, MONDO:0013656, OMIM 614255.
Hereditary spastic paraplegia 30. Identifiers: Orphanet 101010, MedGen C5235139, MONDO:0012476.

Submission:

Labcorp Genetics (formerly Invitae), Labcorp
Classification: Uncertain significance for Spastic paraplegia 30, autosomal recessive; Hereditary sensory and autonomic neuropathy type IIC; Mental retardation, autosomal dominant 9. Last evaluated: 2018-05-16. Review status: criteria provided, single submitter. Criteria: Invitae Variant Classification Sherloc (09022015). Collection method: clinical testing. Allele origin: germline.
Comment: This sequence change replaces leucine with valine at codon 265 of the KIF1A protein (p.Leu265Val). The leucine residue is moderately conserved and there is a small physicochemical difference between leucine and valine. This variant is not present in population databases (ExAC no frequency). This variant has not been reported in the literature in individuals with KIF1A-related disease. Algorithms developed to predict the effect of missense changes on protein structure and function do not agree on the potential impact of this missense change (SIFT: "Tolerated"; PolyPhen-2: "Possibly Damaging"; Align-GVGD: "Class C0"). In summary, the available evidence is currently insufficient to determine the role of this variant in disease. Therefore, it has been classified as a Variant of Uncertain Significance.